The following is an entry in ClinVar:

ClinVar aggregate classification (germline): Conflicting classifications of pathogenicity. Review status: criteria provided, conflicting classifications (1 of 4 stars). 4 submissions from 4 submitters: Uncertain significance (3); Likely benign (1). Last evaluated 2025-11-23.

Conditions:
Hereditary cancer-predisposing syndrome. Also called: Neoplastic Syndromes, Hereditary; Tumor predisposition; Hereditary neoplastic syndrome; Hereditary Cancer Syndrome. Identifiers: Orphanet 140162, MedGen C0027672, MeSH D009386, MONDO:0015356.
Familial cancer of breast. Also called: BREAST CANCER, FAMILIAL; Hereditary breast cancer; hereditary breast carcinoma. Identifiers: Orphanet 227535, MedGen C0346153, MONDO:0016419, OMIM 114480. Disease mechanism: loss of function.

Allele frequency attached by ClinVar (database versions not stated): gnomAD exomes below 0.00001.
gnomAD v4.1: 2 of 1,574,344 alleles (0.00013%); highest among the groups gnomAD compares: Non-Finnish European, 0.000086%; no homozygotes.

Submissions (4):

Labcorp Genetics (formerly Invitae), Labcorp
Classification: Uncertain significance for Familial cancer of breast. Last evaluated: 2025-11-23. Review status: criteria provided, single submitter. Criteria: Invitae Variant Classification Sherloc (09022015). Collection method: clinical testing. Allele origin: germline.
Comment: This sequence change replaces proline, which is neutral and non-polar, with threonine, which is neutral and polar, at codon 246 of the BARD1 protein (p.Pro246Thr). This variant is not present in population databases (gnomAD no frequency). This variant has not been reported in the literature in individuals affected with BARD1-related conditions. ClinVar contains an entry for this variant (Variation ID: 826993). An algorithm developed to predict the effect of missense changes on protein structure and function outputs the following: PolyPhen-2: "Benign". The threonine amino acid residue is found in multiple mammalian species, which suggests that this missense change does not adversely affect protein function. In summary, the available evidence is currently insufficient to determine the role of this variant in disease. Therefore, it has been classified as a Variant of Uncertain Significance.

Ambry Genetics
Classification: Likely benign for Hereditary cancer-predisposing syndrome. Last evaluated: 2024-05-30. Review status: criteria provided, single submitter. Criteria: Ambry Variant Classification Scheme 2023. Collection method: clinical testing. Allele origin: germline.

Fulgent Genetics
Classification: Uncertain significance for Familial cancer of breast. Last evaluated: 2024-04-12. Review status: criteria provided, single submitter. Criteria: ACMG Guidelines, 2015. Collection method: clinical testing. Allele origin: germline.

Color Diagnostics, LLC DBA Color Health
Classification: Uncertain significance for Hereditary cancer-predisposing syndrome. Last evaluated: 2022-12-13. Review status: criteria provided, single submitter. Criteria: ACMG Guidelines, 2015. Collection method: clinical testing. Allele origin: germline.
Comment: This missense variant replaces proline with threonine at codon 246 of the BARD1 protein. Computational prediction suggests that this variant may not impact protein structure and function (internally defined REVEL score threshold <= 0.5, PMID: 27666373). To our knowledge, functional studies have not been reported for this variant. This variant has not been reported in individuals affected with BARD1-related disorders in the literature. This variant has not been identified in the general population by the Genome Aggregation Database (gnomAD). The available evidence is insufficient to determine the role of this variant in disease conclusively. Therefore, this variant is classified as a Variant of Uncertain Significance.

NM_000465.4(BARD1):c.736C>A (p.Pro246Thr)

Gene: BARD1 (BRCA1 associated RING domain 1; minus strand). Cytogenetic location: 2q35.
Variant type: single nucleotide variant.
Coding change: c.736C>A on transcript NM_000465.4 (MANE Select); coding-DNA position 736, C replaced by A.
Protein change: p.Pro246Thr; replaces proline 246 with threonine.
Molecular consequence: missense variant. On other transcripts: non-coding transcript variant (2), intron variant (3).
Genome position (GRCh38, 1-based): chr2:214,781,138, G>T on the plus strand (C>A on the coding strand, the complement: BARD1 is on the minus strand). VCF-style: chr2-214781138-G-T. GRCh37 (hg19) VCF-style: chr2-215645862-G-T.
Other names: c.679C>A, p.Pro227Thr (NM_001282543.2); c.158+28274C>A (NM_001282548.2); c.215+15923C>A (NM_001282545.2); c.364+11159C>A (NM_001282549.2); short protein forms P227T, P246T.
Identifiers: ClinVar variation 826993 (VCV000826993.16), dbSNP rs927730167, ClinGen allele CA64788672.
Genomic context (GRCh38, chr2:214,781,138, plus strand): 5'-AGGAGCCACTTGCTAGTAAGTCTATTTCACCATTTATCTGAGGACTGGAGATAACAGATG[G>T]TTGGCTACAGAAGGATACCAGCTTTTGCTTAGATTCCTCTTTGGAGTCAAATTCACCATC-3'
Protein context (NP_000456.2, residues 236-256): KQKLVSFCSQ[Pro246Thr]SVISSPQING